The following is an entry in ClinVar:

NM_001009944.3(PKD1):c.2910C>A (p.Asn970Lys)

Gene: PKD1 (polycystin 1, transient receptor potential channel interacting; minus strand). Cytogenetic location: 16p13.3.
Variant type: single nucleotide variant.
Coding change: c.2910C>A on transcript NM_001009944.3 (MANE Select); coding-DNA position 2910, C replaced by A.
Protein change: p.Asn970Lys; replaces asparagine 970 with lysine.
Molecular consequence: missense variant.
Genome position (GRCh38, 1-based): chr16:2,113,236, G>T on the plus strand (C>A on the coding strand, the complement: PKD1 is on the minus strand). VCF-style: chr16-2113236-G-T. GRCh37 (hg19) VCF-style: chr16-2163237-G-T.
Other names: c.2910C>A, p.Asn970Lys (NM_000296.4); short protein forms N970K.
Identifiers: ClinVar variation 4854003 (VCV004854003.1).

ClinVar aggregate classification (germline): Uncertain significance (1 of 4 stars; one submission).

Conditions:
Polycystic kidney disease, adult type (PKD1). Also called: Polycystic Kidney, Autosomal Dominant; POLYCYSTIC KIDNEY DISEASE, ADULT, TYPE I; Polycystic Kidney Disease 1, Autosomal Dominant; Polycystic kidney disease 1; Polycystic kidney disease 1, severe; POLYCYSTIC KIDNEY DISEASE 1 WITH OR WITHOUT POLYCYSTIC LIVER DISEASE. Identifiers: MedGen C3149841, MONDO:0008263, OMIM 173900.

Submission:

3billion
Classification: Uncertain significance for Polycystic kidney disease, adult type. Last evaluated: 2025-12-18. Review status: criteria provided, single submitter. Criteria: ACMG Guidelines, 2015. Collection method: clinical testing. Allele origin: germline. Affected: yes.
Comment: The variant is observed at an extremely low frequency in the gnomAD v4.1.0 dataset (total allele frequency: <0.001%). Predicted Consequence/Location: Missense variant In silico tool prediction suggests damaging effect of the variant on gene or gene product [3Cnet: 0.95 (> 0.75, sensitivity 0.96 and precision 0.92)]. Therefore, this variant is classified as VUS according to the recommendation of ACMG/AMP guideline.